The following is an entry in ClinVar:

ClinVar aggregate classification (germline): Uncertain significance (1 of 4 stars; one submission).

Submission:

Labcorp Genetics (formerly Invitae), Labcorp
Classification: Uncertain significance. Last evaluated: 2024-03-06. Review status: criteria provided, single submitter. Criteria: Invitae Variant Classification Sherloc (09022015). Collection method: clinical testing. Allele origin: germline.
Comment: This sequence change replaces proline, which is neutral and non-polar, with arginine, which is basic and polar, at codon 1377 of the A2ML1 protein (p.Pro1377Arg). This variant is not present in population databases (gnomAD no frequency). This variant has not been reported in the literature in individuals affected with A2ML1-related conditions. An algorithm developed to predict the effect of missense changes on protein structure and function (PolyPhen-2) suggests that this variant is likely to be disruptive. In summary, the available evidence is currently insufficient to determine the role of this variant in disease. Therefore, it has been classified as a Variant of Uncertain Significance.

NM_144670.6(A2ML1):c.4130C>G (p.Pro1377Arg)

Gene: A2ML1 (alpha-2-macroglobulin like 1; plus strand). Cytogenetic location: 12p13.31.
Variant type: single nucleotide variant.
Coding change: c.4130C>G on transcript NM_144670.6 (MANE Select); coding-DNA position 4130, C replaced by G.
Protein change: p.Pro1377Arg; replaces proline 1377 with arginine.
Molecular consequence: missense variant.
Genome position (GRCh38, 1-based): chr12:8,868,605, C>G. VCF-style: chr12-8868605-C-G. GRCh37 (hg19) VCF-style: chr12-9021201-C-G.
Other names: c.2657C>G, p.Pro886Arg (NM_001282424.3); short protein forms P1377R, P886R.
Identifiers: ClinVar variation 3644725 (VCV003644725.2).